The following is an entry in ClinVar:

ClinVar aggregate classification (germline): Pathogenic (1 of 4 stars; one submission).

Submission:

GeneDx
Classification: Pathogenic. Last evaluated: 2016-05-25. Review status: criteria provided, single submitter. Criteria: GeneDx Variant Classification (06012015). Collection method: clinical testing. Allele origin: germline. Affected: yes.
Comment: The E2052D pathogenic variant in the NIPBL gene has been previously reported as a de-novo finding in one individual with Cornelia de Lange syndrome (Bhuiyan et al., 2006). This variant was not observed in approximately 6500 individuals of European and African American ancestry in the NHLBI Exome Sequencing Project, indicating it is not a common benign variant in these populations. The E2052D variant is a conservative amino acid substitution, which is not likely to impact secondary protein structure as these residues share similar properties. However, this substitution occurs at a position that is conserved across species. In silico analysis is inconsistent in its predictions as to whether or not the variant is damaging to the protein structure/function. Missense variants in nearby residues (P2056S, P2056S) have been reported in the Human Gene Mutation Database in association with Cornelia de Lange syndrome (Stenson et al., 2014), supporting the functional importance of this region of the protein. We interpret E2052D as a pathogenic variant.

NM_133433.4(NIPBL):c.6156G>C (p.Glu2052Asp)

Gene: NIPBL (NIPBL cohesin loading factor; plus strand). Cytogenetic location: 5p13.2.
Variant type: single nucleotide variant.
Coding change: c.6156G>C on transcript NM_133433.4 (MANE Select); coding-DNA position 6156, G replaced by C.
Protein change: p.Glu2052Asp; replaces glutamic acid 2052 with aspartic acid.
Molecular consequence: missense variant.
Genome position (GRCh38, 1-based): chr5:37,044,394, G>C. VCF-style: chr5-37044394-G-C. GRCh37 (hg19) VCF-style: chr5-37044496-G-C.
Other names: c.6156G>C, p.Glu2052Asp (NM_015384.5); short protein forms E2052D.
Identifiers: ClinVar variation 265409 (VCV000265409.2), dbSNP rs886039531, ClinGen allele CA10588402.